The following is an entry in ClinVar:

NM_014000.3(VCL):c.3226C>T (p.Arg1076Trp)

Gene: VCL (vinculin; plus strand). Cytogenetic location: 10q22.2.
Variant type: single nucleotide variant.
Coding change: c.3226C>T on transcript NM_014000.3 (MANE Select); coding-DNA position 3226, C replaced by T.
Protein change: p.Arg1076Trp; replaces arginine 1076 with tryptophan.
Molecular consequence: missense variant.
Genome position (GRCh38, 1-based): chr10:74,114,867, C>T. VCF-style: chr10-74114867-C-T. GRCh37 (hg19) VCF-style: chr10-75874625-C-T.
Other names: c.3022C>T, p.Arg1008Trp (NM_003373.4); short protein forms R1076W, R1008W.
Identifiers: ClinVar variation 45608 (VCV000045608.14), dbSNP rs397517241, ClinGen allele CA136776.

ClinVar aggregate classification (germline): Uncertain significance. Review status: criteria provided, multiple submitters, no conflicts (2 of 4 stars). 3 submissions from 3 submitters: Uncertain significance (3). Last evaluated 2025-07-23.

Conditions:
Dilated cardiomyopathy 1W (CMD1W). Identifiers: Orphanet 154, MedGen C1969639, MONDO:0012667, OMIM 611407.

Allele frequency attached by ClinVar (database versions not stated): gnomAD 0.00001; gnomAD exomes 0.00001; TOPMed 0.00001; ExAC 0.00002.
gnomAD v4.1: 9 of 1,603,720 alleles (0.00056%); highest among the groups gnomAD compares: African/African-American, 0.0027%; no homozygotes.

Submissions (3):

Labcorp Genetics (formerly Invitae), Labcorp
Classification: Uncertain significance for Dilated cardiomyopathy 1W. Last evaluated: 2025-07-23. Review status: criteria provided, single submitter. Criteria: Invitae Variant Classification Sherloc (09022015). Collection method: clinical testing. Allele origin: germline.
Comment: This sequence change replaces arginine, which is basic and polar, with tryptophan, which is neutral and slightly polar, at codon 1076 of the VCL protein (p.Arg1076Trp). The frequency data for this variant in the population databases is considered unreliable, as metrics indicate poor data quality at this position in the gnomAD database. This missense change has been observed in individual(s) with dilated cardiomyopathy (PMID: 27532257). ClinVar contains an entry for this variant (Variation ID: 45608). An algorithm developed to predict the effect of missense changes on protein structure and function (PolyPhen-2) suggests that this variant is likely to be disruptive. In summary, the available evidence is currently insufficient to determine the role of this variant in disease. Therefore, it has been classified as a Variant of Uncertain Significance.

GeneDx
Classification: Uncertain significance. Last evaluated: 2020-09-25. Review status: criteria provided, single submitter. Criteria: GeneDx Variant Classification Process June 2021. Collection method: clinical testing. Allele origin: germline. Affected: yes.
Comment: Reported in a patient referred for dilated cardiomyopathy genetic testing (Walsh et al., 2017); however, additional clinical information was not provided; Reported in ClinVar as a variant of uncertain significance (ClinVar Variant ID# 45608; Landrum et al., 2016); Not observed at a significant frequency in large population cohorts (Lek et al., 2016); In silico analysis supports that this missense variant has a deleterious effect on protein structure/function; This variant is associated with the following publications: (PMID: 27532257)

Laboratory for Molecular Medicine, Mass General Brigham Personalized Medicine
Classification: Uncertain significance. Last evaluated: 2010-08-12. Review status: criteria provided, single submitter. Criteria: LMM Criteria. Collection method: clinical testing. Allele origin: germline. Observed: 1 variant allele.

Literature cited by the submitters: PubMed 27532257 (cited by Labcorp Genetics (formerly Invitae), Labcorp).